The following is an entry in ClinVar:

NM_018943.3(TUBA8):c.347A>T (p.Asp116Val)

Gene: TUBA8 (tubulin alpha 8; plus strand). Cytogenetic location: 22q11.21.
Variant type: single nucleotide variant.
Coding change: c.347A>T on transcript NM_018943.3 (MANE Select); coding-DNA position 347, A replaced by T.
Protein change: p.Asp116Val; replaces aspartic acid 116 with valine.
Molecular consequence: missense variant.
Genome position (GRCh38, 1-based): chr22:18,124,276, A>T. VCF-style: chr22-18124276-A-T. GRCh37 (hg19) VCF-style: chr22-18607043-A-T.
Other names: c.149A>T, p.Asp50Val (NM_001193414.2); short protein forms D116V, D50V.
Identifiers: ClinVar variation 2043403 (VCV002043403.4), dbSNP rs149681796, ClinGen allele CA410262307.

ClinVar aggregate classification (germline): Uncertain significance (1 of 4 stars; one submission).

Submission:

Labcorp Genetics (formerly Invitae), Labcorp
Classification: Uncertain significance. Last evaluated: 2022-09-16. Review status: criteria provided, single submitter. Criteria: Invitae Variant Classification Sherloc (09022015). Collection method: clinical testing. Allele origin: germline.
Comment: In summary, the available evidence is currently insufficient to determine the role of this variant in disease. Therefore, it has been classified as a Variant of Uncertain Significance. Advanced modeling of protein sequence and biophysical properties (such as structural, functional, and spatial information, amino acid conservation, physicochemical variation, residue mobility, and thermodynamic stability) performed at Invitae indicates that this missense variant is expected to disrupt TUBA8 protein function. This variant has not been reported in the literature in individuals affected with TUBA8-related conditions. This variant is not present in population databases (gnomAD no frequency). This sequence change replaces aspartic acid, which is acidic and polar, with valine, which is neutral and non-polar, at codon 116 of the TUBA8 protein (p.Asp116Val).